The following is an entry in ClinVar:

NM_024301.5(FKRP):c.601C>T (p.Leu201Phe)

Gene: FKRP (fukutin related protein; plus strand). Cytogenetic location: 19q13.32.
Variant type: single nucleotide variant.
Coding change: c.601C>T on transcript NM_024301.5 (MANE Select); coding-DNA position 601, C replaced by T.
Protein change: p.Leu201Phe; replaces leucine 201 with phenylalanine.
Molecular consequence: missense variant.
Genome position (GRCh38, 1-based): chr19:46,756,051, C>T. VCF-style: chr19-46756051-C-T. GRCh37 (hg19) VCF-style: chr19-47259308-C-T.
Other names: c.601C>T, p.Leu201Phe (NM_001039885.3); short protein forms L201F.
Identifiers: ClinVar variation 574800 (VCV000574800.6), dbSNP rs1568418509, ClinGen allele CA406495645.

ClinVar aggregate classification (germline): Uncertain significance (1 of 4 stars; one submission).

Conditions:
Walker-Warburg congenital muscular dystrophy. Also called: Muscular dystrophy-dystroglycanopathy, type A; Walker-Warburg syndrome. Identifiers: Orphanet 899, MedGen C0265221, MONDO:0000171.

gnomAD v4.1: 4 of 1,577,610 alleles (0.00025%); highest among the groups gnomAD compares: Non-Finnish European, 0.00026%; no homozygotes.

Submission:

Labcorp Genetics (formerly Invitae), Labcorp
Classification: Uncertain significance for Walker-Warburg congenital muscular dystrophy. Last evaluated: 2021-09-01. Review status: criteria provided, single submitter. Criteria: Invitae Variant Classification Sherloc (09022015). Collection method: clinical testing. Allele origin: germline.
Comment: This sequence change replaces leucine with phenylalanine at codon 201 of the FKRP protein (p.Leu201Phe). The leucine residue is highly conserved and there is a small physicochemical difference between leucine and phenylalanine. This variant is not present in population databases (ExAC no frequency). This variant has not been reported in the literature in individuals affected with FKRP-related conditions. Algorithms developed to predict the effect of missense changes on protein structure and function are either unavailable or do not agree on the potential impact of this missense change (SIFT: "Deleterious"; PolyPhen-2: "Possibly Damaging"; Align-GVGD: "Class C15"). In summary, the available evidence is currently insufficient to determine the role of this variant in disease. Therefore, it has been classified as a Variant of Uncertain Significance.